The following is an entry in ClinVar:

ClinVar aggregate classification (germline): Conflicting classifications of pathogenicity. Review status: criteria provided, conflicting classifications (1 of 4 stars). 6 submissions from 6 submitters: Uncertain significance (1); Likely benign (4). 1 of the submissions does not count toward it. Last evaluated 2026-07-13.

Conditions:
ANKRD26-related disorder. Also called: ANKRD26-related condition.
Inborn genetic diseases. Identifiers: MedGen C0950123, MeSH D030342.
Thrombocytopenia 2 (THC2). Also called: ANKRD26-Related Thrombocytopenia. Identifiers: Orphanet 268322, MedGen C1861185, MONDO:0008555, OMIM 188000.

Allele frequency attached by ClinVar (database versions not stated): gnomAD 0.00001; TOPMed below 0.00001; ExAC 0.00001.
gnomAD v4.1: 20 of 1,612,302 alleles (0.0012%); highest among the groups gnomAD compares: Middle Eastern, 0.017%; no homozygotes.

Submissions (6):

Ambry Genetics
Classification: Likely benign for Inborn genetic diseases. Last evaluated: 2026-07-13. Review status: criteria provided, single submitter. Criteria: Ambry Variant Classification Scheme 2023. Collection method: clinical testing. Allele origin: germline.

Labcorp Genetics (formerly Invitae), Labcorp
Classification: Likely benign. Last evaluated: 2026-01-23. Review status: criteria provided, single submitter. Criteria: Invitae Variant Classification Sherloc (09022015). Collection method: clinical testing. Allele origin: germline.

Laboratory of Genetics, Children's Clinical University Hospital Latvia
Classification: Likely benign. Last evaluated: 2025-02-16. Review status: criteria provided, single submitter. Criteria: ACMG Guidelines, 2015. Collection method: clinical testing. Allele origin: germline. Affected: yes.

Blueprint Genetics
Classification: Likely benign. Last evaluated: 2024-07-19. Review status: criteria provided, single submitter. Criteria: ACMG Guidelines, 2015. Collection method: clinical testing. Allele origin: germline.

Illumina Laboratory Services, Illumina
Classification: Uncertain significance for Thrombocytopenia 2. Last evaluated: 2018-01-13. Review status: criteria provided, single submitter. Criteria: ICSL Variant Classification Criteria 13 December 2019. Collection method: clinical testing. Allele origin: germline.

PreventionGenetics, part of Exact Sciences
Classification: Likely benign for ANKRD26-related condition. Last evaluated: 2021-11-08. Review status: no assertion criteria provided. Collection method: clinical testing. Allele origin: germline. Not counted in ClinVar's aggregate classification.
Comment: This variant is classified as likely benign based on ACMG/AMP sequence variant interpretation guidelines (Richards et al. 2015 PMID: 25741868, with internal and published modifications).

NM_014915.3(ANKRD26):c.93G>A (p.Gly31=)

Genes: ANKRD26 (ankyrin repeat domain 26; minus strand), LOC130003554 (ATAC-STARR-seq lymphoblastoid silent region 2243; plus strand). Cytogenetic location: 10p12.1.
Variant type: single nucleotide variant.
Coding change: c.93G>A on transcript NM_014915.3 (MANE Select); coding-DNA position 93, G replaced by A.
Protein change: p.Gly31=; no amino-acid change (glycine 31 retained).
Molecular consequence: synonymous variant.
Genome position (GRCh38, 1-based): chr10:27,100,234, C>T on the plus strand (G>A on the coding strand, the complement: ANKRD26 is on the minus strand). VCF-style: chr10-27100234-C-T. GRCh37 (hg19) VCF-style: chr10-27389163-C-T.
Other names: c.93G>A, p.Gly31= (NM_001256053.2).
Identifiers: ClinVar variation 299765 (VCV000299765.12), dbSNP rs746535031, ClinGen allele CA5449071.